The following is an entry in ClinVar:

ClinVar aggregate classification (germline): Likely pathogenic (1 of 4 stars; one submission).

Conditions:
ALG6-congenital disorder of glycosylation 1C (CDG1C). Also called: Congenital disorder of glycosylation, type Ic; CDG Ic; CARBOHYDRATE-DEFICIENT GLYCOPROTEIN SYNDROME, TYPE I, WITH DEFICIENT GLYCOSYLATION OF DOLICHOL-LINKED OLIGOSACCHARIDE; CARBOHYDRATE-DEFICIENT GLYCOPROTEIN SYNDROME, TYPE V; Congenital disorder of glycosylation type 1C. Identifiers: Orphanet 79320, MedGen C2930997, MONDO:0011291, OMIM 603147.

Submission:

Natera, Inc.
Classification: Likely pathogenic for Congenital disorder of glycosylation type 1c. Last evaluated: 2024-08-12. Review status: criteria provided, single submitter. Criteria: Natera Variant Classification Schema (03/2026). Collection method: clinical testing. Allele origin: germline.
Comment: The c.257+1G>T variant in ALG6 is a canonical splice donor site variant predicted to affect pre-mRNA splicing, which may result in an abnormal transcript and altered protein product. This variant is expected to result in nonsense mediated decay, truncation, or a dysfunctional protein product. This variant is rare in the general population with a frequency below the threshold expected for the associated phenotype(s). Given the available evidence, this variant is classified as Likely Pathogenic.

NM_013339.4(ALG6):c.257+1G>T

Gene: ALG6 (ALG6 alpha-1,3-glucosyltransferase; plus strand). Cytogenetic location: 1p31.3.
Variant type: single nucleotide variant.
Coding change: c.257+1G>T on transcript NM_013339.4 (MANE Select); the canonical splice donor site of the intron after coding-DNA position 257, G replaced by T.
Molecular consequence: splice donor variant.
Genome position (GRCh38, 1-based): chr1:63,402,344, G>T. VCF-style: chr1-63402344-G-T. GRCh37 (hg19) VCF-style: chr1-63868015-G-T.
Identifiers: ClinVar variation 4815578 (VCV004815578.1).